The following is an entry in ClinVar:

ClinVar aggregate classification (germline): Uncertain significance. Review status: criteria provided, multiple submitters, no conflicts (2 of 4 stars). 2 submissions from 2 submitters: Uncertain significance (2). Last evaluated 2026-01-14.

Conditions:
Rhabdoid tumor predisposition syndrome 2 (RTPS2). Identifiers: Orphanet 231108, Orphanet 69077, MedGen C2750074, MONDO:0013224, OMIM 613325.
Hereditary cancer-predisposing syndrome. Also called: Tumor predisposition; Hereditary neoplastic syndrome; Hereditary Cancer Syndrome; Neoplastic Syndromes, Hereditary. Identifiers: Orphanet 140162, MedGen C0027672, MeSH D009386, MONDO:0015356.

Allele frequency attached by ClinVar (database versions not stated): gnomAD exomes below 0.00001.

Submissions (2):

Ambry Genetics
Classification: Uncertain significance for Hereditary cancer-predisposing syndrome. Last evaluated: 2026-01-14. Review status: criteria provided, single submitter. Criteria: Ambry Variant Classification Scheme 2023. Collection method: clinical testing. Allele origin: germline.
Comment: The p.M113R variant (also known as c.338T>G), located in coding exon 2 of the SMARCA4 gene, results from a T to G substitution at nucleotide position 338. The methionine at codon 113 is replaced by arginine, an amino acid with similar properties. This amino acid position is conserved. In addition, the in silico prediction for this alteration is inconclusive. Based on the available evidence, the clinical significance of this variant remains unclear.

Labcorp Genetics (formerly Invitae), Labcorp
Classification: Uncertain significance for Rhabdoid tumor predisposition syndrome 2. Last evaluated: 2019-09-29. Review status: criteria provided, single submitter. Criteria: Invitae Variant Classification Sherloc (09022015). Collection method: clinical testing. Allele origin: germline.
Comment: This sequence change replaces methionine with arginine at codon 113 of the SMARCA4 protein (p.Met113Arg). The methionine residue is highly conserved and there is a moderate physicochemical difference between methionine and arginine. This variant is not present in population databases (ExAC no frequency). This variant has not been reported in the literature in individuals with SMARCA4-related conditions. Algorithms developed to predict the effect of missense changes on protein structure and function (SIFT, PolyPhen-2, Align-GVGD) all suggest that this variant is likely to be disruptive, but these predictions have not been confirmed by published functional studies and their clinical significance is uncertain. In summary, the available evidence is currently insufficient to determine the role of this variant in disease. Therefore, it has been classified as a Variant of Uncertain Significance.

NM_003072.5(SMARCA4):c.338T>G (p.Met113Arg)

Gene: SMARCA4 (SWI/SNF related BAF chromatin remodeling complex subunit ATPase 4; plus strand). Cytogenetic location: 19p13.2.
Variant type: single nucleotide variant.
Coding change: c.338T>G on transcript NM_003072.5 (MANE Select); coding-DNA position 338, T replaced by G.
Protein change: p.Met113Arg; replaces methionine 113 with arginine.
Molecular consequence: missense variant. On other transcripts: non-coding transcript variant (1).
Genome position (GRCh38, 1-based): chr19:10,985,388, T>G. VCF-style: chr19-10985388-T-G. GRCh37 (hg19) VCF-style: chr19-11096064-T-G.
Other names: c.338T>G, p.Met113Arg (NM_001128844.3, NM_001128845.2, NM_001128846.2 and 4 more transcripts); short protein forms M113R.
Identifiers: ClinVar variation 969986 (VCV000969986.4), dbSNP rs1175163671, ClinGen allele CA404055341.